The following is an entry in ClinVar:

ClinVar aggregate classification (germline): Benign/Likely benign. Review status: criteria provided, multiple submitters, no conflicts (2 of 4 stars). 9 submissions from 9 submitters: Benign (1); Likely benign (4). 4 of the submissions do not count toward it. Last evaluated 2025-11-24.

Conditions:
COL4A5-related disorder. Also called: COL4A5-related condition.
X-linked Alport syndrome (ATS1). Also called: COL4A5-Related Nephropathy; NEPHROPATHY AND DEAFNESS, X-LINKED. Identifiers: Orphanet 63, Orphanet 88917, MedGen C4746986, MONDO:0010520, OMIM 301050.

Allele frequency attached by ClinVar (database versions not stated): TOPMed 0.00032; ExAC 0.00033; gnomAD 0.00017 and 0.00019; ESP Exome Variant Server 0.00019; 1000 Genomes Project 30x 0.00021; 1000 Genomes Project 0.00026; gnomAD exomes 0.00026 and 0.00029.
gnomAD v4.1: 307 of 1,200,445 alleles (0.026%); highest among the groups gnomAD compares: Middle Eastern, 0.18%; no homozygotes.

Submissions (9):

Labcorp Genetics (formerly Invitae), Labcorp
Classification: Benign. Last evaluated: 2025-11-24. Review status: criteria provided, single submitter. Criteria: Invitae Variant Classification Sherloc (09022015). Collection method: clinical testing. Allele origin: germline.

Blueprint Genetics
Classification: Likely benign. Last evaluated: 2024-10-07. Review status: criteria provided, single submitter. Criteria: ACMG Guidelines, 2015. Collection method: clinical testing. Allele origin: germline.

CeGaT Center for Human Genetics Tuebingen
Classification: Likely benign. Last evaluated: 2023-07-01. Review status: criteria provided, single submitter. Criteria: CeGaT Center For Human Genetics Tuebingen Variant Classification Criteria Version 2. Collection method: clinical testing. Allele origin: germline. Affected: yes. Observed: 3 variant alleles.
Comment: COL4A5: BS2

GeneDx
Classification: Likely benign. Last evaluated: 2021-03-29. Review status: criteria provided, single submitter. Criteria: GeneDx Variant Classification Process June 2021. Collection method: clinical testing. Allele origin: germline. Affected: yes.
Comment: This variant is associated with the following publications: (PMID: 28780565)

Breakthrough Genomics
Classification: Likely benign. Review status: criteria provided, single submitter. Criteria: ACMG Guidelines, 2015. Collection method: not provided. Allele origin: germline. Inheritance: X-linked inheritance. Affected: yes.

PreventionGenetics, part of Exact Sciences
Classification: Likely benign for COL4A5-related condition. Last evaluated: 2023-06-22. Review status: no assertion criteria provided. Collection method: clinical testing. Allele origin: germline. Not counted in ClinVar's aggregate classification.
Comment: This variant is classified as likely benign based on ACMG/AMP sequence variant interpretation guidelines (Richards et al. 2015 PMID: 25741868, with internal and published modifications).

Natera, Inc.
Classification: Likely benign for X-linked Alport syndrome. Last evaluated: 2020-02-12. Review status: no assertion criteria provided. Collection method: clinical testing. Allele origin: germline. Not counted in ClinVar's aggregate classification.

Clinical Genetics DNA and cytogenetics Diagnostics Lab, Erasmus MC, Erasmus Medical Center
Classification: Likely benign. Review status: no assertion criteria provided. Collection method: clinical testing. Allele origin: germline. Affected: yes. Study: VKGL Data-share Consensus. Not counted in ClinVar's aggregate classification.

Joint Genome Diagnostic Labs from Nijmegen and Maastricht, Radboudumc and MUMC+
Classification: Likely benign. Review status: no assertion criteria provided. Collection method: clinical testing. Allele origin: germline. Affected: yes. Study: VKGL Data-share Consensus. Not counted in ClinVar's aggregate classification.

NM_033380.3(COL4A5):c.2017A>G (p.Arg673Gly)

Gene: COL4A5 (collagen type IV alpha 5 chain; plus strand). Cytogenetic location: Xq22.3.
Variant type: single nucleotide variant.
Coding change: c.2017A>G on transcript NM_033380.3 (MANE Select); coding-DNA position 2017, A replaced by G.
Protein change: p.Arg673Gly; replaces arginine 673 with glycine.
Molecular consequence: missense variant.
Genome position (GRCh38, 1-based): chrX:108,601,461, A>G. VCF-style: chrX-108601461-A-G. GRCh37 (hg19) VCF-style: chrX-107844691-A-G.
Other names: c.2017A>G, p.Arg673Gly (NM_000495.5); short protein forms R673G.
Identifiers: ClinVar variation 715195 (VCV000715195.46), dbSNP rs200348997, ClinGen allele CA10488829.